The following is an entry in ClinVar:

ClinVar aggregate classification (germline): Likely benign. Review status: criteria provided, multiple submitters, no conflicts (2 of 4 stars). 4 submissions from 4 submitters: Likely benign (3). 1 of the submissions does not count toward it. Last evaluated 2025-10-06.

Conditions:
VCAN-related disorder. Also called: VCAN-related condition.
Wagner disease. Also called: WAGNER SYNDROME 1; WAGNER VITREORETINAL DEGENERATION; WAGNER VITREORETINOPATHY; Wagner syndrome; Wagner Vitreoretinal Degeneration (Wagner Synrdome); HYALOIDEORETINAL DEGENERATION OF WAGNER. Identifiers: Orphanet 898, MedGen C1840452, MONDO:0007740, OMIM 143200.

Allele frequency attached by ClinVar (database versions not stated): ExAC 0.00003; gnomAD exomes 0.00003 and 0.00004; TOPMed 0.00003; gnomAD 0.00005.
gnomAD v4.1: 47 of 1,613,956 alleles (0.0029%); highest among the groups gnomAD compares: Admixed American, 0.0083%; no homozygotes.

Submissions (4):

Labcorp Genetics (formerly Invitae), Labcorp
Classification: Likely benign. Last evaluated: 2025-10-06. Review status: criteria provided, single submitter. Criteria: Invitae Variant Classification Sherloc (09022015). Collection method: clinical testing. Allele origin: germline.

ARUP Laboratories, Molecular Genetics and Genomics, ARUP Laboratories
Classification: Likely benign for Wagner disease. Last evaluated: 2025-03-07. Review status: criteria provided, single submitter. Criteria: ARUP Molecular Germline Variant Investigation Process 2024. Collection method: clinical testing. Allele origin: germline.

Blueprint Genetics
Classification: Likely benign. Last evaluated: 2024-07-15. Review status: criteria provided, single submitter. Criteria: ACMG Guidelines, 2015. Collection method: clinical testing. Allele origin: germline.

PreventionGenetics, part of Exact Sciences
Classification: Likely benign for VCAN-related condition. Last evaluated: 2020-01-08. Review status: no assertion criteria provided. Collection method: clinical testing. Allele origin: germline. Not counted in ClinVar's aggregate classification.
Comment: This variant is classified as likely benign based on ACMG/AMP sequence variant interpretation guidelines (Richards et al. 2015 PMID: 25741868, with internal and published modifications).

NM_004385.5(VCAN):c.8463T>G (p.Ser2821=)

Genes: VCAN (versican; plus strand), VCAN-AS1 (VCAN antisense RNA 1; minus strand). Cytogenetic location: 5q14.3.
Variant type: single nucleotide variant.
Coding change: c.8463T>G on transcript NM_004385.5 (MANE Select); coding-DNA position 8463, T replaced by G.
Protein change: p.Ser2821=; no amino-acid change (serine 2821 retained).
Molecular consequence: synonymous variant. On other transcripts: intron variant (2).
Genome position (GRCh38, 1-based): chr5:83,541,466, T>G. VCF-style: chr5-83541466-T-G. GRCh37 (hg19) VCF-style: chr5-82837285-T-G.
Other names: c.5502T>G, p.Ser1834= (NM_001164097.2); c.4004-4071T>G (NM_001164098.2); c.1043-4071T>G (NM_001126336.3).
Identifiers: ClinVar variation 740325 (VCV000740325.12), dbSNP rs747493525, ClinGen allele CA3333811.